The following is an entry in ClinVar:

NM_004959.5(NR5A1):c.1063_1083dup (p.Val355_Leu361dup)

Gene: NR5A1 (nuclear receptor subfamily 5 group A member 1; minus strand). Cytogenetic location: 9q33.3.
Variant type: Duplication.
Coding change: c.1063_1083dup on transcript NM_004959.5 (MANE Select); coding-DNA positions 1063 to 1083, 21 bases duplicated (GTGCTGCAGCTGCTTGCGCTG).
Protein change: p.Val355_Leu361dup.
Molecular consequence: inframe insertion.
Genome position (GRCh38, 1-based): chr9:124,491,136-124,491,156, CAGCGCAAGCAGCTGCAGCAC duplicated on the plus strand (GTGCTGCAGCTGCTTGCGCTG on the coding strand, the reverse complement: NR5A1 is on the minus strand); duplicating any 21 consecutive bases within chr9:124,491,136-124,491,160 gives the same sequence; the c. name uses the placement nearest the transcript's 3' end. VCF-style (leftmost placement, unchanged base first): chr9-124491135-G-GCAGCGCAAGCAGCTGCAGCAC. GRCh37 (hg19) VCF-style: chr9-127253414-G-GCAGCGCAAGCAGCTGCAGCAC.
Other names: c.1063_1083dupGTGCTGCAGCTGCTTGCGCTG (NM_004959.4).
Identifiers: ClinVar variation 424563 (VCV000424563.2), dbSNP rs1554721033, ClinGen allele CA16618732.

ClinVar aggregate classification (germline): Likely pathogenic (1 of 4 stars; one submission).

Submission:

GeneDx
Classification: Likely pathogenic. Last evaluated: 2017-03-23. Review status: criteria provided, single submitter. Criteria: GeneDx Variant Classification (06012015). Collection method: clinical testing. Allele origin: germline. Affected: yes.
Comment: The c.1063_1083dup21 variant in the NR5A1 gene has not been reported previously as a pathogenic variant nor as a benign variant, to our knowledge. The c.1063_1083dup21 variant causes an in-frame duplication of seven amino acid residues starting with codon Valine 355, denoted denoted p.Val355_Leu361dup. The c.1063_1083dup21 variant is not observed in large population cohorts (Lek et al., 2016; 1000 Genomes Consortium et al., 2015; Exome Variant Server). Therefore, we interpret c.1063_1083dup21 as a likely pathogenic variant.